The following is an entry in ClinVar:

NM_130837.3(OPA1):c.2228C>T (p.Pro743Leu)

Gene: OPA1 (OPA1 mitochondrial dynamin like GTPase; plus strand). Cytogenetic location: 3q29.
Variant type: single nucleotide variant.
Coding change: c.2228C>T on transcript NM_130837.3 (MANE Select); coding-DNA position 2228, C replaced by T.
Protein change: p.Pro743Leu; replaces proline 743 with leucine.
Molecular consequence: missense variant.
Genome position (GRCh38, 1-based): chr3:193,657,129, C>T. VCF-style: chr3-193657129-C-T. GRCh37 (hg19) VCF-style: chr3-193374918-C-T.
Other names: p.Pro688Leu; c.2063C>T (NM_015560.2); c.1694C>T, p.Pro565Leu (NM_001354663.2); c.1691C>T, p.Pro564Leu (NM_001354664.2); c.2063C>T, p.Pro688Leu (NM_015560.3); c.1955C>T, p.Pro652Leu (NM_130831.3); c.2009C>T, p.Pro670Leu (NM_130832.3); c.2066C>T, p.Pro689Leu (NM_130833.3); and 3 more; short protein forms P565L, P652L, P689L, P707L, P743L, P688L, P670L, P706L.
Identifiers: ClinVar variation 1523124 (VCV001523124.12), dbSNP rs746579947, ClinGen allele CA2759611.

ClinVar aggregate classification (germline): Conflicting classifications of pathogenicity. Review status: criteria provided, conflicting classifications (1 of 4 stars). 5 submissions from 5 submitters: Uncertain significance (4); Likely benign (1). Last evaluated 2025-11-14.

Conditions:
Inborn genetic diseases. Identifiers: MedGen C0950123, MeSH D030342.

Allele frequency attached by ClinVar (database versions not stated): gnomAD 0.00001; ExAC 0.00002; TOPMed 0.00002.
gnomAD v4.1: 72 of 1,613,444 alleles (0.0045%); highest among the groups gnomAD compares: Non-Finnish European, 0.0061%; no homozygotes.

Submissions (5):

Mayo Clinic Laboratories, Mayo Clinic
Classification: Uncertain significance. Last evaluated: 2025-11-14. Review status: criteria provided, single submitter. Criteria: ACMG Guidelines, 2015. Collection method: clinical testing. Allele origin: germline. Observed: 1 variant allele.
Comment: BP4

Ambry Genetics
Classification: Uncertain significance for Inborn genetic diseases. Last evaluated: 2025-04-09. Review status: criteria provided, single submitter. Criteria: Ambry Variant Classification Scheme 2023. Collection method: clinical testing. Allele origin: germline.

Labcorp Genetics (formerly Invitae), Labcorp
Classification: Likely benign. Last evaluated: 2025-03-10. Review status: criteria provided, single submitter. Criteria: Invitae Variant Classification Sherloc (09022015). Collection method: clinical testing. Allele origin: germline.

GeneDx
Classification: Uncertain significance. Last evaluated: 2025-02-03. Review status: criteria provided, single submitter. Criteria: GeneDx Variant Classification Process June 2021. Collection method: clinical testing. Allele origin: germline.
Comment: Has not been previously published as pathogenic or benign to our knowledge; Not observed at significant frequency in large population cohorts (gnomAD); In silico analysis indicates that this missense variant does not alter protein structure/function

Women's Health and Genetics/Laboratory Corporation of America, LabCorp
Classification: Uncertain significance. Last evaluated: 2023-05-31. Review status: criteria provided, single submitter. Criteria: LabCorp Variant Classification Summary - May 2015. Collection method: clinical testing. Allele origin: germline.
Comment: Variant summary: OPA1 c.2063C>T (p.Pro688Leu) results in a non-conservative amino acid change located in the Dynamin-like GTPase OPA1, C-terminal domain (IPR045817) of the encoded protein sequence. Three of five in-silico tools predict a damaging effect of the variant on protein function. The variant allele was found at a frequency of 1.6e-05 in 251160 control chromosomes (gnomAD). The available data on variant occurrences in the general population are insufficient to allow any conclusion about variant significance. To our knowledge, no occurrence of c.2063C>T in individuals affected with OPA1-Related Disorders and no experimental evidence demonstrating its impact on protein function have been reported. One clinical diagnostic laboratory has submitted clinical-significance assessments for this variant to ClinVar after 2014 and classified the variant as likely benign. Based on the evidence outlined above, the variant was classified as uncertain significance.